The following is an entry in ClinVar:

ClinVar aggregate classification (germline): Benign/Likely benign. Review status: criteria provided, multiple submitters, no conflicts (2 of 4 stars). 4 submissions from 4 submitters: Benign (1); Likely benign (2). 1 of the submissions does not count toward it. Last evaluated 2025-12-19.

Conditions:
ARMC9-related disorder. Also called: ARMC9-related condition.

Allele frequency attached by ClinVar (database versions not stated): ExAC 0.00056; gnomAD 0.00057 and 0.00052; gnomAD exomes 0.00059 and 0.00041; ESP Exome Variant Server 0.00031; TOPMed 0.00039.
gnomAD v4.1: 677 of 1,613,952 alleles (0.042%); highest among the groups gnomAD compares: Non-Finnish European, 0.043%; 2 homozygotes.

Submissions (4):

Labcorp Genetics (formerly Invitae), Labcorp
Classification: Benign. Last evaluated: 2025-12-19. Review status: criteria provided, single submitter. Criteria: Invitae Variant Classification Sherloc (09022015). Collection method: clinical testing. Allele origin: germline.

Blueprint Genetics
Classification: Likely benign. Last evaluated: 2024-11-22. Review status: criteria provided, single submitter. Criteria: ACMG Guidelines, 2015. Collection method: clinical testing. Allele origin: germline.

CeGaT Center for Human Genetics Tuebingen
Classification: Likely benign. Last evaluated: 2024-03-01. Review status: criteria provided, single submitter. Criteria: CeGaT Center For Human Genetics Tuebingen Variant Classification Criteria Version 2. Collection method: clinical testing. Allele origin: germline. Affected: yes. Observed: 8 variant alleles.
Comment: ARMC9: BP4

PreventionGenetics, part of Exact Sciences
Classification: Likely benign for ARMC9-related condition. Last evaluated: 2019-06-24. Review status: no assertion criteria provided. Collection method: clinical testing. Allele origin: germline. Not counted in ClinVar's aggregate classification.
Comment: This variant is classified as likely benign based on ACMG/AMP sequence variant interpretation guidelines (Richards et al. 2015 PMID: 25741868, with internal and published modifications).

NM_001352754.2(ARMC9):c.1818G>T (p.Leu606=)

Gene: ARMC9 (armadillo repeat containing 9; plus strand). Cytogenetic location: 2q37.1.
Variant type: single nucleotide variant.
Coding change: c.1818G>T on transcript NM_001352754.2 (MANE Select); coding-DNA position 1818, G replaced by T.
Protein change: p.Leu606=; no amino-acid change (leucine 606 retained).
Molecular consequence: synonymous variant. On other transcripts: non-coding transcript variant (1), intron variant (1).
Genome position (GRCh38, 1-based): chr2:231,331,837, G>T. VCF-style: chr2-231331837-G-T. GRCh37 (hg19) VCF-style: chr2-232196549-G-T.
Other names: c.1818G>T (NM_025139.5); c.1818G>T, p.Leu606= (NM_001271466.4, NM_001291656.2, NM_001352755.2 and 2 more transcripts); c.1719G>T, p.Leu573= (NM_001352757.2, NM_001352758.2); c.1774-13138G>T (NM_001352759.2).
Identifiers: ClinVar variation 1166732 (VCV001166732.35), dbSNP rs148607124, ClinGen allele CA2160503.
Genomic context (GRCh38, chr2:231,331,837, plus strand): 5'-ATGTCTCCTGAAACAGGAGGACCATGACATCATGGAAGCCGATCTGGACAAAGACGAACT[G>T]ATCCAGCCCCAGCTCGGAGAACTCTCAGGAGAGAAGCTTCTGACCACGGAGTACCTGGGG-3'
Protein context (NP_001339683.2, residues 596-616): IMEADLDKDE[Leu606=]IQPQLGELSG